The following is an entry in ClinVar:

ClinVar aggregate classification (germline): Likely pathogenic (0 of 4 stars; one submission).

Conditions:
Paroxysmal nocturnal hemoglobinuria 1 (PNH1). Identifiers: Orphanet 447, MedGen C3806670, MONDO:0010438, OMIM 300818.

Submission:

Pangenia Genomics, Pangenia Inc.
Classification: Likely pathogenic for Paroxysmal nocturnal hemoglobinuria 1. Last evaluated: 2022-11-25. Review status: no assertion criteria provided. Collection method: research. Allele origin: somatic. Inheritance: Somatic mutation. Affected: yes.
Comment: This sequence change affects a donor splice site in intron 5 of the PIGA gene. While this variant is not anticipated to result in nonsense mediated decay, it likely alters RNA splicing and results in a disrupted protein product. Since another variant at the same donor splice site (described as IVS5+1G-A, PMID: 9233558) has previously been described in three unrelated PNH patients from distinct ethnic origins, this variant is likely to disrupt normal protein function. This variant is absent from the gnomAD v2.1.1 dataset with good coverage of the locus.

NM_002641.4(PIGA):c.1188+1G>C

Gene: PIGA (phosphatidylinositol glycan anchor biosynthesis class A; minus strand). Cytogenetic location: Xp22.2.
Variant type: single nucleotide variant.
Coding change: c.1188+1G>C on transcript NM_002641.4 (MANE Select); the canonical splice donor site of the intron after coding-DNA position 1188, G replaced by C.
Molecular consequence: splice donor variant.
Genome position (GRCh38, 1-based): chrX:15,324,664, C>G on the plus strand (G>C on the coding strand, the complement: PIGA is on the minus strand). VCF-style: chrX-15324664-C-G. GRCh37 (hg19) VCF-style: chrX-15342786-C-G.
Other names: c.486+1G>C (NM_020473.3).
Identifiers: ClinVar variation 2501811 (VCV002501811.1), dbSNP rs2147717286, ClinGen allele CA412334984.